The following is an entry in ClinVar:

ClinVar aggregate classification (germline): Likely pathogenic (1 of 4 stars; one submission).

Conditions:
Primary ciliary dyskinesia. Also called: Ciliary dyskinesia. Identifiers: Orphanet 244, MedGen C0008780, MONDO:0016575, HP:0012265.

Submission:

Department of Human Genetics, Hannover Medical School
Classification: Likely pathogenic for Primary Ciliary Dyskinesia. Last evaluated: 2026-04-01. Review status: criteria provided, single submitter. Criteria: ACMG Guidelines, 2015. Collection method: research. Allele origin: germline. Affected: no.
Comment: Classification performed by HerediClassify using the following criteria:['PM2_supporting: Variant occures does not occur as homozygous in gnomAD.', 'PVS1_protein_very_strong: Transcript ENST00000368467 is predicted to undergo NMD. ']

NM_006556.4(PMVK):c.244G>T (p.Glu82Ter)

Gene: PMVK (phosphomevalonate kinase; minus strand). Cytogenetic location: 1q21.3.
Variant type: single nucleotide variant.
Coding change: c.244G>T on transcript NM_006556.4 (MANE Select); coding-DNA position 244, G replaced by T.
Protein change: p.Glu82Ter; replaces glutamic acid 82 with a stop codon.
Molecular consequence: nonsense. On other transcripts: intron variant (1).
Genome position (GRCh38, 1-based): chr1:154,929,092, C>A on the plus strand (G>T on the coding strand, the complement: PMVK is on the minus strand). VCF-style: chr1-154929092-C-A. GRCh37 (hg19) VCF-style: chr1-154901568-C-A.
Other names: c.202G>T, p.Glu68Ter (NM_001323011.3); c.19G>T, p.Glu7Ter (NM_001323012.3); c.54-35G>T (NM_001348696.2); short protein forms E68*, E7*, E82*.
Identifiers: ClinVar variation 4880115 (VCV004880115.1).